The following is an entry in ClinVar:

ClinVar aggregate classification (germline): Pathogenic (1 of 4 stars; one submission).

Submission:

Labcorp Genetics (formerly Invitae), Labcorp
Classification: Pathogenic. Last evaluated: 2024-02-24. Review status: criteria provided, single submitter. Criteria: Invitae Variant Classification Sherloc (09022015). Collection method: clinical testing. Allele origin: germline.
Comment: This sequence change creates a premature translational stop signal (p.Gln729*) in the ANO6 gene. It is expected to result in an absent or disrupted protein product. Loss-of-function variants in ANO6 are known to be pathogenic (PMID: 21107324, 21511967, 27879994). This variant is not present in population databases (gnomAD no frequency). This variant has not been reported in the literature in individuals affected with ANO6-related conditions. ClinVar contains an entry for this variant (Variation ID: 1071290). Algorithms developed to predict the effect of sequence changes on RNA splicing suggest that this variant may disrupt the consensus splice site. For these reasons, this variant has been classified as Pathogenic.

Literature cited by the submitters: PubMed 21107324; PubMed 21511967; PubMed 27879994.

NM_001025356.3(ANO6):c.2185C>T (p.Gln729Ter)

Gene: ANO6 (anoctamin 6; plus strand). Cytogenetic location: 12q12.
Variant type: single nucleotide variant.
Coding change: c.2185C>T on transcript NM_001025356.3 (MANE Select); coding-DNA position 2185, C replaced by T.
Protein change: p.Gln729Ter; replaces glutamine 729 with a stop codon.
Molecular consequence: nonsense.
Genome position (GRCh38, 1-based): chr12:45,416,872, C>T. VCF-style: chr12-45416872-C-T. GRCh37 (hg19) VCF-style: chr12-45810655-C-T.
Other names: c.2131C>T, p.Gln711Ter (NM_001142678.2); c.2185C>T, p.Gln729Ter (NM_001142679.2); c.2248C>T, p.Gln750Ter (NM_001204803.2); short protein forms Q711*, Q729*, Q750*.
Identifiers: ClinVar variation 1071290 (VCV001071290.7), dbSNP rs1943227368, ClinGen allele CA384467845.